The following is an entry in ClinVar:

NM_018230.3(NUP133):c.3040G>A (p.Ala1014Thr)

Gene: NUP133 (nucleoporin 133; minus strand). Cytogenetic location: 1q42.13.
Variant type: single nucleotide variant.
Coding change: c.3040G>A on transcript NM_018230.3 (MANE Select); coding-DNA position 3040, G replaced by A.
Protein change: p.Ala1014Thr; replaces alanine 1014 with threonine.
Molecular consequence: missense variant.
Genome position (GRCh38, 1-based): chr1:229,452,584, C>T on the plus strand (G>A on the coding strand, the complement: NUP133 is on the minus strand). VCF-style: chr1-229452584-C-T. GRCh37 (hg19) VCF-style: chr1-229588331-C-T.
Other names: short protein forms A1014T.
Identifiers: ClinVar variation 3612279 (VCV003612279.2).
Genomic context (GRCh38, chr1:229,452,584, plus strand): 5'-CACCAATGAGTTGTGGTGCAGTCAATACTGGCATCGCACTGAGATTTAGCTGTTTCTCCG[C>T]CAGCAGCTGTTCAGGTAGGGTCTCCTGATGCAGTAGAAAGCGCTCCTGCTCAGCCATTTC-3'
Protein context (NP_060700.2, residues 1004-1024): HQETLPEQLL[Ala1014Thr]EKQLNLSAMP

ClinVar aggregate classification (germline): Uncertain significance (1 of 4 stars; one submission).

gnomAD v4.1: 8 of 1,613,986 alleles (0.0005%); highest among the groups gnomAD compares: Non-Finnish European, 0.00068%; no homozygotes.

Submission:

Labcorp Genetics (formerly Invitae), Labcorp
Classification: Uncertain significance. Last evaluated: 2025-06-12. Review status: criteria provided, single submitter. Criteria: Invitae Variant Classification Sherloc (09022015). Collection method: clinical testing. Allele origin: germline.
Comment: This sequence change replaces alanine, which is neutral and non-polar, with threonine, which is neutral and polar, at codon 1014 of the NUP133 protein (p.Ala1014Thr). This variant is present in population databases (no rsID available, gnomAD 0.0009%). This variant has not been reported in the literature in individuals affected with NUP133-related conditions. ClinVar contains an entry for this variant (Variation ID: 3612279). An algorithm developed to predict the effect of missense changes on protein structure and function outputs the following: PolyPhen-2: "Benign". The threonine amino acid residue is found in multiple mammalian species, which suggests that this missense change does not adversely affect protein function. In summary, the available evidence is currently insufficient to determine the role of this variant in disease. Therefore, it has been classified as a Variant of Uncertain Significance.